The following is an entry in ClinVar:

ClinVar aggregate classification (germline): Uncertain significance (1 of 4 stars; one submission).

Conditions:
X-linked agammaglobulinemia with growth hormone deficiency (IGHD3). Also called: Isolated growth hormone deficiency type 3; Growth hormone deficiency with hypogammaglobulinemia; AGAMMAGLOBULINEMIA AND ISOLATED GROWTH HORMONE DEFICIENCY, X-LINKED; FLEISHER SYNDROME; HYPOGAMMAGLOBULINEMIA AND ISOLATED GROWTH HORMONE DEFICIENCY, X-LINKED; IGHD III. Identifiers: Orphanet 231692, Orphanet 631, MedGen C0472813, MONDO:0010615, OMIM 307200.

Submission:

Labcorp Genetics (formerly Invitae), Labcorp
Classification: Uncertain significance for X-linked agammaglobulinemia with growth hormone deficiency. Last evaluated: 2022-02-19. Review status: criteria provided, single submitter. Criteria: Invitae Variant Classification Sherloc (09022015). Collection method: clinical testing. Allele origin: germline.
Comment: This variant has not been reported in the literature in individuals affected with BTK-related conditions. In summary, the available evidence is currently insufficient to determine the role of this variant in disease. Therefore, it has been classified as a Variant of Uncertain Significance. This variant disrupts the c.839+5 nucleotide in the BTK gene. Other variant(s) that disrupt this nucleotide have been determined to be pathogenic (PMID: 7633420, 29424453). This suggests that this nucleotide is clinically significant, and that variants that disrupt this position are likely to be disease-causing. Variants that disrupt the consensus splice site are a relatively common cause of aberrant splicing (PMID: 17576681, 9536098). Algorithms developed to predict the effect of sequence changes on RNA splicing suggest that this variant may disrupt the consensus splice site. This variant is not present in population databases (gnomAD no frequency). This sequence change falls in intron 9 of the BTK gene. It does not directly change the encoded amino acid sequence of the BTK protein. It affects a nucleotide within the consensus splice site.

Literature cited by the submitters: PubMed 7633420; PubMed 29424453; PubMed 17576681; PubMed 9536098.

NM_000061.3(BTK):c.839+5G>T

Gene: BTK (Bruton tyrosine kinase; minus strand). Cytogenetic location: Xq22.1.
Variant type: single nucleotide variant.
Coding change: c.839+5G>T on transcript NM_000061.3 (MANE Select); 5 bases into the intron after coding-DNA position 839, G replaced by T.
Molecular consequence: intron variant.
Genome position (GRCh38, 1-based): chrX:101,360,083, C>A on the plus strand (G>T on the coding strand, the complement: BTK is on the minus strand). VCF-style: chrX-101360083-C-A. GRCh37 (hg19) VCF-style: chrX-100615071-C-A.
Other names: c.941+5G>T (NM_001287344.2); c.839+5G>T (NM_001287345.2).
Identifiers: ClinVar variation 2099764 (VCV002099764.4), dbSNP rs2520585179, ClinGen allele CA2580100089.
Genomic context (GRCh38, chrX:101,360,083, plus strand): 5'-TATATATATATATAGAGAGAGAGAGTTCCTCCTGGAAGATTGTGGACTGACATAAACATA[C>A]TTACTCATACATTTCTATGGAGTCTTCTGCTTCAGTGACATAGTTACTAGGAATGTAGCC-3'